The following is an entry in ClinVar:

ClinVar aggregate classification (germline): Uncertain significance (1 of 4 stars; one submission).

Conditions:
Arrhythmogenic right ventricular dysplasia 13. Also called: Arrhythmogenic right ventricular dysplasia, familial, 13; ARRHYTHMOGENIC RIGHT VENTRICULAR CARDIOMYOPATHY 13. Identifiers: MedGen C3810138, MONDO:0000908, OMIM 615616.

Submission:

Labcorp Genetics (formerly Invitae), Labcorp
Classification: Uncertain significance for Arrhythmogenic right ventricular dysplasia 13. Last evaluated: 2019-12-07. Review status: criteria provided, single submitter. Criteria: Invitae Variant Classification Sherloc (09022015). Collection method: clinical testing. Allele origin: germline.
Comment: This variant is an out-of-frame deletion of the genomic region encompassing exons 10-11 of the CTNNA3 gene. This is expected to create a premature translational stop signal and result in an absent or disrupted protein product. This variant has not been reported in the literature in individuals with CTNNA3-related conditions. The current clinical and genetic evidence is not sufficient to establish whether loss-of-function variants in CTNNA3 cause disease. In summary, the available evidence is currently insufficient to determine the role of this variant in disease. Therefore, it has been classified as a Variant of Uncertain Significance.

NC_000010.11:g.(?_66520607)_(66621794_?)del

Gene: CTNNA3 (catenin alpha 3; minus strand). Cytogenetic location: 10q21.3.
Variant type: Deletion.
Identifiers: ClinVar variation 832859 (VCV000832859.2).